The following is an entry in ClinVar:

ClinVar aggregate classification (germline): Uncertain significance. Review status: criteria provided, multiple submitters, no conflicts (2 of 4 stars). 3 submissions from 3 submitters: Uncertain significance (2). 1 of the submissions does not count toward it. Last evaluated 2022-04-23.

Conditions:
Athabaskan severe combined immunodeficiency (SCIDA). Also called: Severe combined immunodeficiency, athabascan-type. Identifiers: MedGen C1865370.
Severe combined immunodeficiency due to DCLRE1C deficiency (RS-SCID). Also called: SCID, AUTOSOMAL RECESSIVE, T CELL-NEGATIVE, B CELL-NEGATIVE, NK CELL-POSITIVE, WITH SENSITIVITY TO IONIZING RADIATION. Identifiers: Orphanet 275, MedGen C1865371, MONDO:0011225, OMIM 602450.

Allele frequency attached by ClinVar (database versions not stated): ExAC 0.00005; ESP Exome Variant Server 0.00008; gnomAD exomes 0.00006 and 0.00002; TOPMed 0.00012; gnomAD 0.00009 and 0.00011.
gnomAD v4.1: 32 of 1,614,012 alleles (0.002%); highest among the groups gnomAD compares: African/African-American, 0.028%; no homozygotes.

Submissions (3):

Labcorp Genetics (formerly Invitae), Labcorp
Classification: Uncertain significance for Athabaskan severe combined immunodeficiency. Last evaluated: 2022-04-23. Review status: criteria provided, single submitter. Criteria: Invitae Variant Classification Sherloc (09022015). Collection method: clinical testing. Allele origin: germline.
Comment: This sequence change replaces phenylalanine, which is neutral and non-polar, with serine, which is neutral and polar, at codon 651 of the DCLRE1C protein (p.Phe651Ser). This variant is present in population databases (rs144641461, gnomAD 0.04%). This variant has not been reported in the literature in individuals affected with DCLRE1C-related conditions. ClinVar contains an entry for this variant (Variation ID: 969588). Algorithms developed to predict the effect of missense changes on protein structure and function are either unavailable or do not agree on the potential impact of this missense change (SIFT: "Tolerated"; PolyPhen-2: "Probably Damaging"; Align-GVGD: "Class C0"). In summary, the available evidence is currently insufficient to determine the role of this variant in disease. Therefore, it has been classified as a Variant of Uncertain Significance.

ARUP Laboratories, Molecular Genetics and Genomics, ARUP Laboratories
Classification: Uncertain significance. Last evaluated: 2022-02-08. Review status: criteria provided, single submitter. Criteria: ARUP Molecular Germline Variant Investigation Process 2021. Collection method: clinical testing. Allele origin: germline.
Comment: The DCLRE1C c.1952T>C; p.Phe651Ser variant (rs144641461), to our knowledge, is not reported in the medical literature but is reported in ClinVar (Variation ID: 969588). This variant is found in the general population with an overall allele frequency of 0.0057% (16/282548 alleles) in the Genome Aggregation Database. The phenylalanine at codon 651 is highly conserved, and computational analyses are uncertain whether this variant is neutral or deleterious (REVEL: 0.213). Due to limited information, the clinical significance of this variant is uncertain at this time.

Natera, Inc.
Classification: Uncertain significance for Athabascan severe combined immunodeficiency. Last evaluated: 2020-10-21. Review status: no assertion criteria provided. Collection method: clinical testing. Allele origin: germline. Not counted in ClinVar's aggregate classification.

NM_001033855.3(DCLRE1C):c.1952T>C (p.Phe651Ser)

Gene: DCLRE1C (DNA cross-link repair 1C; minus strand). Cytogenetic location: 10p13.
Variant type: single nucleotide variant.
Coding change: c.1952T>C on transcript NM_001033855.3 (MANE Select); coding-DNA position 1952, T replaced by C.
Protein change: p.Phe651Ser; replaces phenylalanine 651 with serine.
Molecular consequence: missense variant. On other transcripts: non-coding transcript variant (3), intron variant (3).
Genome position (GRCh38, 1-based): chr10:14,908,535, A>G on the plus strand (T>C on the coding strand, the complement: DCLRE1C is on the minus strand). VCF-style: chr10-14908535-A-G. GRCh37 (hg19) VCF-style: chr10-14950534-A-G.
Other names: c.1592T>C, p.Phe531Ser (NM_001033857.3, NM_001033858.3, NM_001289077.2 and 1 more transcripts); c.1607T>C, p.Phe536Ser (NM_001289076.2, NM_001289078.2, NM_022487.4); c.1437+170T>C (NM_001350966.2); c.1782+170T>C (NM_001350965.2); c.1422+170T>C (NM_001350967.2); short protein forms F536S, F651S, F531S.
Identifiers: ClinVar variation 969588 (VCV000969588.12), dbSNP rs144641461, ClinGen allele CA5416365.
Genomic context (GRCh38, chr10:14,908,535, plus strand): 5'-TATAAATATTGTAAATGCTCTCGTTTAGGTAACTCAGCTTCTGGAGTTGAGGGAACTTCA[A>G]AATCAGAAGAGCTCTGGGAATCTGCATTTGTGCTAAGATTTAGCAAACTTTTTTCCTCGG-3'
Protein context (NP_001029027.1, residues 641-661): TNADSQSSSD[Phe651Ser]EVPSTPEAEL